The following is an entry in ClinVar:

NM_001278716.2(FBXL4):c.9G>A (p.Pro3=)

Gene: FBXL4 (F-box and leucine rich repeat protein 4; minus strand). Cytogenetic location: 6q16.2.
Variant type: single nucleotide variant.
Coding change: c.9G>A on transcript NM_001278716.2 (MANE Select); coding-DNA position 9, G replaced by A.
Protein change: p.Pro3=; no amino-acid change (proline 3 retained).
Molecular consequence: synonymous variant. On other transcripts: non-coding transcript variant (2).
Genome position (GRCh38, 1-based): chr6:98,926,980, C>T on the plus strand (G>A on the coding strand, the complement: FBXL4 is on the minus strand). VCF-style: chr6-98926980-C-T. GRCh37 (hg19) VCF-style: chr6-99374856-C-T.
Other names: c.9G>A, p.Pro3= (NM_012160.5).
Identifiers: ClinVar variation 437510 (VCV000437510.9), dbSNP rs773041308, ClinGen allele CA3933768.

ClinVar aggregate classification (germline): Conflicting classifications of pathogenicity. Review status: criteria provided, conflicting classifications (1 of 4 stars). 3 submissions from 3 submitters: Uncertain significance (1); Likely benign (1). 1 of the submissions does not count toward it. Last evaluated 2025-05-05.

Conditions:
Mitochondrial DNA depletion syndrome 13. Also called: FBXL4-Related Encephalomyopathic Mitochondrial DNA Depletion Syndrome; Mitochondrial DNA depletion syndrome 13 (encephalomyopathic type). Identifiers: Orphanet 369897, MedGen C3809592, MONDO:0014198, OMIM 615471.

Allele frequency attached by ClinVar (database versions not stated): TOPMed 0.00001; gnomAD 0.00002 and 0.00004; ExAC 0.00001.
gnomAD v4.1: 12 of 1,613,212 alleles (0.00074%); highest among the groups gnomAD compares: Admixed American, 0.0033%; no homozygotes.

Submissions (3):

Labcorp Genetics (formerly Invitae), Labcorp
Classification: Likely benign. Last evaluated: 2025-05-05. Review status: criteria provided, single submitter. Criteria: Invitae Variant Classification Sherloc (09022015). Collection method: clinical testing. Allele origin: germline.

Wong Mito Lab, Molecular and Human Genetics, Baylor College of Medicine
Classification: Uncertain significance for Mitochondrial DNA depletion syndrome 13. Last evaluated: 2017-08-10. Review status: criteria provided, single submitter. Criteria: ACMG Guidelines, 2015. Collection method: reference population. Allele origin: germline.
Comment: The NM_012160.4:c.9G>A (NP_036292.2:p.Pro3=) [GRCH38: NC_000006.12:g.98926980C>T] variant in FBXL4 gene is interpretated to be a Uncertain Significance - Conflicting Evidence based on ACMG guidelines (PMID: 25741868). This variant meets one or more of the following evidence codes reported in the ACMG-guideline. PM2:This variant is absent in key population databases. BP4:Computational evidence/predictors indicate no impact on the FBXL4 structure, function, or protein-protein interaction. BP7:The variant is silent with non predicted splice impact. Based on this evidence code ClinGen Pathogenicity Calculator (PMID:28081714) suggested that the variant is Uncertain Significance - Conflicting Evidence.

Mayo Clinic Laboratories, Mayo Clinic
Classification: Likely benign. Last evaluated: 2016-03-08. Review status: no assertion criteria provided. Collection method: clinical testing. Allele origin: unknown. Not counted in ClinVar's aggregate classification.